The following is an entry in ClinVar:

NM_002764.4(PRPS1):c.220A>G (p.Ile74Val)

Gene: PRPS1 (phosphoribosyl pyrophosphate synthetase 1; plus strand). Cytogenetic location: Xq22.3.
Variant type: single nucleotide variant.
Coding change: c.220A>G on transcript NM_002764.4 (MANE Select); coding-DNA position 220, A replaced by G.
Protein change: p.Ile74Val; replaces isoleucine 74 with valine.
Molecular consequence: missense variant. On other transcripts: intron variant (1).
Genome position (GRCh38, 1-based): chrX:107,639,392, A>G. VCF-style: chrX-107639392-A-G. GRCh37 (hg19) VCF-style: chrX-106882622-A-G.
Other names: NC_000023.10:g.106882622A>G; c.-82-5785A>G (NM_001204402.2); short protein forms I74V.
Identifiers: ClinVar variation 1304820 (VCV001304820.3), dbSNP rs2147681457, ClinGen allele CA413805075.

ClinVar aggregate classification (germline): Uncertain significance (1 of 4 stars; one submission).

Submissions (2):

GeneDx
Classification: Uncertain significance. Last evaluated: 2019-08-01. Review status: criteria provided, single submitter. Criteria: GeneDx Variant Classification Process June 2021. Collection method: clinical testing. Allele origin: germline. Affected: yes.
Comment: Not observed in large population cohorts (Lek et al., 2016); In silico analysis, which includes protein predictors and evolutionary conservation, supports that this variant does not alter protein structure/function; Has not been previously published as pathogenic or benign to our knowledge

Dr. Peter K. Rogan Lab, Western University
No classification provided (evidence only). Condition: Nonpapillary renal cell carcinoma. Review status: no classification provided. Collection method: in vitro. Allele origin: not applicable. Functional consequence: retained intron. Not counted in ClinVar's aggregate classification.